The following is an entry in ClinVar:

ClinVar aggregate classification (germline): Uncertain significance (1 of 4 stars; one submission).

Allele frequency attached by ClinVar (database versions not stated): gnomAD exomes below 0.00001 and 0.00001; ExAC 0.00001.
gnomAD v4.1: 3 of 1,613,612 alleles (0.00019%); highest among the groups gnomAD compares: Non-Finnish European, 0.00025%; no homozygotes.

Submission:

Labcorp Genetics (formerly Invitae), Labcorp
Classification: Uncertain significance. Last evaluated: 2021-04-24. Review status: criteria provided, single submitter. Criteria: Invitae Variant Classification Sherloc (09022015). Collection method: clinical testing. Allele origin: germline.
Comment: In summary, the available evidence is currently insufficient to determine the role of this variant in disease. Therefore, it has been classified as a Variant of Uncertain Significance. Algorithms developed to predict the effect of missense changes on protein structure and function output the following: SIFT: "Deleterious"; PolyPhen-2: "Benign"; Align-GVGD: "Class C0". The isoleucine amino acid residue is found in multiple mammalian species, suggesting that this missense change does not adversely affect protein function. These predictions have not been confirmed by published functional studies and their clinical significance is uncertain. This variant has not been reported in the literature in individuals with PCDH15-related conditions. This variant is present in population databases (rs773884678, ExAC 0.001%). This sequence change replaces threonine with isoleucine at codon 460 of the PCDH15 protein (p.Thr460Ile). The threonine residue is highly conserved and there is a moderate physicochemical difference between threonine and isoleucine.

NM_001384140.1(PCDH15):c.1379C>T (p.Thr460Ile)

Gene: PCDH15 (protocadherin related 15; minus strand). Cytogenetic location: 10q21.1.
Variant type: single nucleotide variant.
Coding change: c.1379C>T on transcript NM_001384140.1 (MANE Select); coding-DNA position 1379, C replaced by T.
Protein change: p.Thr460Ile; replaces threonine 460 with isoleucine.
Molecular consequence: missense variant.
Genome position (GRCh38, 1-based): chr10:54,185,195, G>A on the plus strand (C>T on the coding strand, the complement: PCDH15 is on the minus strand). VCF-style: chr10-54185195-G-A. GRCh37 (hg19) VCF-style: chr10-55944955-G-A.
Other names: c.1394C>T, p.Thr465Ile (NM_001142763.2, NM_001142771.2); c.1379C>T, p.Thr460Ile (NM_001142764.2, NM_001142765.2, NM_001142766.2 and 6 more transcripts); c.1268C>T, p.Thr423Ile (NM_001142767.2); c.1313C>T, p.Thr438Ile (NM_001142768.2, NM_001142773.2, NM_001354404.2); c.1415C>T, p.Thr472Ile (NM_001142769.4); c.1400C>T, p.Thr467Ile (NM_001354411.2); short protein forms T438I, T460I, T472I, T423I, T465I, T467I.
Identifiers: ClinVar variation 1346161 (VCV001346161.8), dbSNP rs773884678, ClinGen allele CA5506400.